The following is an entry in ClinVar:

ClinVar aggregate classification (germline): Pathogenic/Likely pathogenic. Review status: criteria provided, multiple submitters, no conflicts (2 of 4 stars). 3 submissions from 3 submitters: Pathogenic (1); Likely pathogenic (2). Last evaluated 2024-03-19.

Conditions:
Leukocyte adhesion deficiency 1 (LAD1). Also called: LAD 1; Lymphocyte function-associated antigen 1 immunodeficiency; LFA 1 immunodeficiency; LEUKOCYTE ADHESION DEFICIENCY, TYPE I. Identifiers: Orphanet 2968, Orphanet 99842, MedGen C0398738, MONDO:0007293, OMIM 116920.

Allele frequency attached by ClinVar (database versions not stated): gnomAD exomes below 0.00001.

Submissions (3):

Labcorp Genetics (formerly Invitae), Labcorp
Classification: Pathogenic for Leukocyte adhesion deficiency 1. Last evaluated: 2024-03-19. Review status: criteria provided, single submitter. Criteria: Invitae Variant Classification Sherloc (09022015). Collection method: clinical testing. Allele origin: germline.
Comment: This sequence change creates a premature translational stop signal (p.Glu734*) in the ITGB2 gene. It is expected to result in an absent or disrupted protein product. Loss-of-function variants in ITGB2 are known to be pathogenic (PMID: 22134107, 25703682). This variant is present in population databases (no rsID available, gnomAD 0.0009%). This premature translational stop signal has been observed in individual(s) with leukocyte adhesion deficiency (PMID: 14512306). ClinVar contains an entry for this variant (Variation ID: 1324598). For these reasons, this variant has been classified as Pathogenic.

Fulgent Genetics
Classification: Likely pathogenic for Leukocyte adhesion deficiency 1. Last evaluated: 2022-04-19. Review status: criteria provided, single submitter. Criteria: ACMG Guidelines, 2015. Collection method: clinical testing. Allele origin: unknown.

Revvity Omics, Revvity
Classification: Likely pathogenic for Leukocyte adhesion deficiency 1. Last evaluated: 2020-06-08. Review status: criteria provided, single submitter. Criteria: ACMG Guidelines, 2015. Collection method: clinical testing. Allele origin: germline.

Literature cited by the submitters: PubMed 22134107 (cited by Labcorp Genetics (formerly Invitae), Labcorp); PubMed 25703682 (cited by Labcorp Genetics (formerly Invitae), Labcorp); PubMed 14512306 (cited by Labcorp Genetics (formerly Invitae), Labcorp).

NM_000211.5(ITGB2):c.2200G>T (p.Glu734Ter)

Gene: ITGB2 (integrin subunit beta 2; minus strand). Cytogenetic location: 21q22.3.
Variant type: single nucleotide variant.
Coding change: c.2200G>T on transcript NM_000211.5 (MANE Select); coding-DNA position 2200, G replaced by T.
Protein change: p.Glu734Ter; replaces glutamic acid 734 with a stop codon.
Molecular consequence: nonsense.
Genome position (GRCh38, 1-based): chr21:44,886,783, C>A on the plus strand (G>T on the coding strand, the complement: ITGB2 is on the minus strand). VCF-style: chr21-44886783-C-A. GRCh37 (hg19) VCF-style: chr21-46306698-C-A.
Other names: c.2200G>T, p.Glu734Ter (NM_001127491.3); c.1993G>T, p.Glu665Ter (NM_001303238.2); short protein forms E665*, E734*.
Identifiers: ClinVar variation 1324598 (VCV001324598.8), dbSNP rs1464015799, ClinGen allele CA410482442.